The following is an entry in ClinVar:

NM_000539.3(RHO):c.383_392del (p.Leu128fs)

Gene: RHO (rhodopsin; plus strand). Cytogenetic location: 3q22.1.
Variant type: Deletion.
Coding change: c.383_392del on transcript NM_000539.3 (MANE Select); coding-DNA positions 383 to 392, 10 bases deleted (TGGTGGTCCT; older notation c.383_392delTGGTGGTCCT).
Protein change: p.Leu128fs; shifts the reading frame from leucine 128.
Molecular consequence: frameshift variant.
Genome position (GRCh38, 1-based): chr3:129,530,897-129,530,906, TGGTGGTCCT deleted; deleting any 10 consecutive bases within chr3:129,530,889-129,530,906 gives the same sequence; the c. name uses the placement nearest the transcript's 3' end. VCF-style (leftmost placement, unchanged base first): chr3-129530888-TGTGGTCCTTG-T. GRCh37 (hg19) VCF-style: chr3-129249731-TGTGGTCCTTG-T.
Other names: short protein forms L128fs.
Identifiers: ClinVar variation 3727121 (VCV003727121.2).
Genomic context (GRCh38, chr3:129,530,888, plus strand): 5'-TCCTTAGGCAGTGGGGTCTGTGCTGACCGCCTGCTGACTGCCTTGCAGGTGAAATTGCCC[TGTGGTCCTTG>T]GTGGTCCTGGCCATCGAGCGGTACGTGGTGGTGTGTAAGCCCATGAGCAACTTCCGCTTC-3'

ClinVar aggregate classification (germline): Pathogenic (1 of 4 stars; one submission).

Submission:

Labcorp Genetics (formerly Invitae), Labcorp
Classification: Pathogenic. Last evaluated: 2024-12-12. Review status: criteria provided, single submitter. Criteria: Invitae Variant Classification Sherloc (09022015). Collection method: clinical testing. Allele origin: germline.
Comment: This sequence change creates a premature translational stop signal (p.Leu128Trpfs*13) in the RHO gene. It is expected to result in an absent or disrupted protein product. Loss-of-function variants in RHO are known to be pathogenic (PMID: 1303237, 21174529). This variant is not present in population databases (gnomAD no frequency). This variant has not been reported in the literature in individuals affected with RHO-related conditions. For these reasons, this variant has been classified as Pathogenic.

Literature cited by the submitters: PubMed 1303237; PubMed 21174529.